The following is an entry in ClinVar:

NM_177939.3(P4HTM):c.1288G>C (p.Gly430Arg)

Gene: P4HTM (prolyl 4-hydroxylase, transmembrane; plus strand). Cytogenetic location: 3p21.31.
Variant type: single nucleotide variant.
Coding change: c.1288G>C on transcript NM_177939.3 (MANE Select); coding-DNA position 1288, G replaced by C.
Protein change: p.Gly430Arg; replaces glycine 430 with arginine.
Molecular consequence: missense variant.
Genome position (GRCh38, 1-based): chr3:49,006,187, G>C. VCF-style: chr3-49006187-G-C. GRCh37 (hg19) VCF-style: chr3-49043620-G-C.
Other names: c.1471G>C, p.Gly491Arg (NM_177938.2); short protein forms G430R, G491R.
Identifiers: ClinVar variation 4855430 (VCV004855430.1).

ClinVar aggregate classification (germline): Uncertain significance (1 of 4 stars; one submission).

Conditions:
Hypotonia, hypoventilation, impaired intellectual development, dysautonomia, epilepsy, and eye abnormalities. Also called: HYPOTONIA, HYPERVENTILATION, IMPAIRED INTELLECTUAL DEVELOPMENT, DYSAUTONOMIA, EPILEPSY, AND EYE ABNORMALITIES. Identifiers: MedGen C5193124, MONDO:0032780, OMIM 618493.

Submission:

3billion
Classification: Uncertain significance for Hypotonia, hypoventilation, impaired intellectual development, dysautonomia, epilepsy, and eye abnormalities. Last evaluated: 2025-07-21. Review status: criteria provided, single submitter. Criteria: ACMG Guidelines, 2015. Collection method: clinical testing. Allele origin: germline. Affected: yes.
Comment: The variant is not observed in the gnomAD v4.1.0 dataset. Predicted Consequence/Location: Missense variant In silico tool predictions suggest damaging effect of the variant on gene or gene product [REVEL: 0.75 (>=0.6, sensitivity 0.68 and specificity 0.92)]. In silico tools predict the variant to alter splicing and produce an abnormal transcript [SpliceAI: 0.66 (>=0.2, moderate evidence for spliceogenicity)]. Therefore, this variant is classified as VUS according to the recommendation of ACMG/AMP guideline.